The following is an entry in ClinVar:

ClinVar aggregate classification (germline): Uncertain significance (1 of 4 stars; one submission).

Conditions:
Familial thoracic aortic aneurysm and aortic dissection (TAAD). Also called: Thoracic aortic aneurysms and dissections. Identifiers: Orphanet 91387, MedGen C4707243, MONDO:0019625.

Submission:

Labcorp Genetics (formerly Invitae), Labcorp
Classification: Uncertain significance for Familial thoracic aortic aneurysm and aortic dissection. Last evaluated: 2022-08-06. Review status: criteria provided, single submitter. Criteria: Invitae Variant Classification Sherloc (09022015). Collection method: clinical testing. Allele origin: germline.
Comment: In summary, the available evidence is currently insufficient to determine the role of this variant in disease. Therefore, it has been classified as a Variant of Uncertain Significance. Algorithms developed to predict the effect of sequence changes on RNA splicing suggest that this variant may create or strengthen a splice site. This variant has not been reported in the literature in individuals affected with MAT2A-related conditions. This variant is not present in population databases (gnomAD no frequency). This sequence change creates a premature translational stop signal (p.Arg192*) in the MAT2A gene. It is expected to result in an absent or disrupted protein product. However, the current clinical and genetic evidence is not sufficient to establish whether loss-of-function variants in MAT2A cause disease.

NM_005911.6(MAT2A):c.574C>T (p.Arg192Ter)

Genes: GGCX (gamma-glutamyl carboxylase; minus strand), MAT2A (methionine adenosyltransferase 2A; plus strand). Cytogenetic location: 2p11.2.
Variant type: single nucleotide variant.
Coding change: c.574C>T on transcript NM_005911.6 (MANE Select); coding-DNA position 574, C replaced by T.
Protein change: p.Arg192Ter; replaces arginine 192 with a stop codon.
Molecular consequence: nonsense.
Genome position (GRCh38, 1-based): chr2:85,542,179, C>T. VCF-style: chr2-85542179-C-T. GRCh37 (hg19) VCF-style: chr2-85769302-C-T.
Other names: short protein forms R192*.
Identifiers: ClinVar variation 2166038 (VCV002166038.4), dbSNP rs2103917985, ClinGen allele CA347477075.